The following is an entry in ClinVar:

ClinVar aggregate classification (germline): Uncertain significance. Review status: criteria provided, multiple submitters, no conflicts (2 of 4 stars). 2 submissions from 2 submitters: Uncertain significance (2). Last evaluated 2026-03-27.

Conditions:
Hereditary cancer-predisposing syndrome. Also called: Hereditary neoplastic syndrome; Neoplastic Syndromes, Hereditary; Hereditary Cancer Syndrome; Tumor predisposition. Identifiers: Orphanet 140162, MedGen C0027672, MeSH D009386, MONDO:0015356.
Pheochromocytoma/paraganglioma syndrome 3. Also called: GLOMUS TUMORS, FAMILIAL, 3; SDHC-Related Hereditary Paraganglioma-Pheochromocytoma Syndrome; Paragangliomas 3; SDHC-Related Hereditary Paraganglioma-Pheochromocytoma Syndrome (Paragangliomas 3). Identifiers: Orphanet 29072, MedGen C1854336, MONDO:0011544, OMIM 605373.
Gastrointestinal stromal tumor. Also called: Gastrointestinal stromal tumor, somatic; Gastrointestinal stroma tumor. Identifiers: Orphanet 44890, MedGen C0238198, MeSH D046152, MONDO:0011719, OMIM 606764, HP:0100723.

Submissions (2):

Ambry Genetics
Classification: Uncertain significance for Hereditary cancer-predisposing syndrome. Last evaluated: 2026-03-27. Review status: criteria provided, single submitter. Criteria: Ambry Variant Classification Scheme 2023. Collection method: clinical testing. Allele origin: germline.
Comment: The p.L4V variant (also known as c.10C>G), located in coding exon 1 of the SDHC gene, results from a C to G substitution at nucleotide position 10. The leucine at codon 4 is replaced by valine, an amino acid with highly similar properties. This amino acid position is well conserved in available vertebrate species. In addition, the in silico prediction for this alteration is inconclusive. Based on the available evidence, the clinical significance of this variant remains unclear.

Labcorp Genetics (formerly Invitae), Labcorp
Classification: Uncertain significance for Pheochromocytoma/paraganglioma syndrome 3; Gastrointestinal stromal tumor. Last evaluated: 2022-07-19. Review status: criteria provided, single submitter. Criteria: Invitae Variant Classification Sherloc (09022015). Collection method: clinical testing. Allele origin: germline.
Comment: In summary, the available evidence is currently insufficient to determine the role of this variant in disease. Therefore, it has been classified as a Variant of Uncertain Significance. Algorithms developed to predict the effect of missense changes on protein structure and function (SIFT, PolyPhen-2, Align-GVGD) all suggest that this variant is likely to be tolerated. ClinVar contains an entry for this variant (Variation ID: 534367). This variant has not been reported in the literature in individuals affected with SDHC-related conditions. This variant is not present in population databases (gnomAD no frequency). This sequence change replaces leucine, which is neutral and non-polar, with valine, which is neutral and non-polar, at codon 4 of the SDHC protein (p.Leu4Val).

NM_003001.5(SDHC):c.10C>G (p.Leu4Val)

Gene: SDHC (succinate dehydrogenase complex subunit C; plus strand). Cytogenetic location: 1q23.3.
Variant type: single nucleotide variant.
Coding change: c.10C>G on transcript NM_003001.5 (MANE Select); coding-DNA position 10, C replaced by G.
Protein change: p.Leu4Val; replaces leucine 4 with valine.
Molecular consequence: missense variant.
Genome position (GRCh38, 1-based): chr1:161,314,415, C>G. VCF-style: chr1-161314415-C-G. GRCh37 (hg19) VCF-style: chr1-161284205-C-G.
Other names: c.10C>G, p.Leu4Val (NM_001035511.3, NM_001035512.3, NM_001035513.3 and 6 more transcripts); c.-551C>G (NM_001407119.1); c.-220C>G (NM_001407120.1); short protein forms L4V.
Identifiers: ClinVar variation 534367 (VCV000534367.11), dbSNP rs770796603, ClinGen allele CA343354959.